The following is an entry in ClinVar:

ClinVar aggregate classification (germline): Uncertain significance. Review status: criteria provided, multiple submitters, no conflicts (2 of 4 stars). 2 submissions from 2 submitters: Uncertain significance (2). Last evaluated 2021-12-17.

Conditions:
Hereditary cancer-predisposing syndrome. Also called: Hereditary Cancer Syndrome; Hereditary neoplastic syndrome; Neoplastic Syndromes, Hereditary; Tumor predisposition. Identifiers: Orphanet 140162, MedGen C0027672, MeSH D009386, MONDO:0015356.
Familial cancer of breast. Also called: hereditary breast carcinoma; Hereditary breast cancer; BREAST CANCER, FAMILIAL. Identifiers: Orphanet 227535, MedGen C0346153, MONDO:0016419, OMIM 114480. Disease mechanism: loss of function.

Submissions (2):

Labcorp Genetics (formerly Invitae), Labcorp
Classification: Uncertain significance for Familial cancer of breast. Last evaluated: 2021-12-17. Review status: criteria provided, single submitter. Criteria: Invitae Variant Classification Sherloc (09022015). Collection method: clinical testing. Allele origin: germline.
Comment: Algorithms developed to predict the effect of missense changes on protein structure and function (SIFT, PolyPhen-2, Align-GVGD) all suggest that this variant is likely to be tolerated. In summary, the available evidence is currently insufficient to determine the role of this variant in disease. Therefore, it has been classified as a Variant of Uncertain Significance. ClinVar contains an entry for this variant (Variation ID: 1063371). This variant has not been reported in the literature in individuals affected with BARD1-related conditions. This variant is not present in population databases (gnomAD no frequency). This sequence change replaces tryptophan, which is neutral and slightly polar, with arginine, which is basic and polar, at codon 680 of the BARD1 protein (p.Trp680Arg).

Ambry Genetics
Classification: Uncertain significance for Hereditary cancer-predisposing syndrome. Last evaluated: 2021-06-06. Review status: criteria provided, single submitter. Criteria: Ambry Variant Classification Scheme 2023. Collection method: clinical testing. Allele origin: germline.
Comment: The p.W680R variant (also known as c.2038T>C), located in coding exon 11 of the BARD1 gene, results from a T to C substitution at nucleotide position 2038. The tryptophan at codon 680 is replaced by arginine, an amino acid with dissimilar properties. This amino acid position is poorly conserved in available vertebrate species. In addition, this alteration is predicted to be tolerated by in silico analysis. Since supporting evidence is limited at this time, the clinical significance of this alteration remains unclear.

NM_000465.4(BARD1):c.2038T>C (p.Trp680Arg)

Gene: BARD1 (BRCA1 associated RING domain 1; minus strand). Cytogenetic location: 2q35.
Variant type: single nucleotide variant.
Coding change: c.2038T>C on transcript NM_000465.4 (MANE Select); coding-DNA position 2038, T replaced by C.
Protein change: p.Trp680Arg; replaces tryptophan 680 with arginine.
Molecular consequence: missense variant. On other transcripts: non-coding transcript variant (3).
Genome position (GRCh38, 1-based): chr2:214,728,972, A>G on the plus strand (T>C on the coding strand, the complement: BARD1 is on the minus strand). VCF-style: chr2-214728972-A-G. GRCh37 (hg19) VCF-style: chr2-215593696-A-G.
Other names: c.1981T>C, p.Trp661Arg (NM_001282543.2); c.685T>C, p.Trp229Arg (NM_001282545.2); c.628T>C, p.Trp210Arg (NM_001282548.2); c.499T>C, p.Trp167Arg (NM_001282549.2); short protein forms W167R, W210R, W229R, W661R, W680R.
Identifiers: ClinVar variation 1063371 (VCV001063371.10), dbSNP rs2105987880, ClinGen allele CA350450751.